The following is an entry in ClinVar:

NM_001009944.3(PKD1):c.5455G>T (p.Ala1819Ser)

Gene: PKD1 (polycystin 1, transient receptor potential channel interacting; minus strand). Cytogenetic location: 16p13.3.
Variant type: single nucleotide variant.
Coding change: c.5455G>T on transcript NM_001009944.3 (MANE Select); coding-DNA position 5455, G replaced by T.
Protein change: p.Ala1819Ser; replaces alanine 1819 with serine.
Molecular consequence: missense variant.
Genome position (GRCh38, 1-based): chr16:2,109,712, C>A on the plus strand (G>T on the coding strand, the complement: PKD1 is on the minus strand). VCF-style: chr16-2109712-C-A. GRCh37 (hg19) VCF-style: chr16-2159713-C-A.
Other names: c.5455G>T, p.Ala1819Ser (NM_000296.4); c.5455G>T (NM_001009944.2); short protein forms A1819S.
Identifiers: ClinVar variation 995199 (VCV000995199.7), dbSNP rs202119008, ClinGen allele CA7831969.
Genomic context (GRCh38, chr16:2,109,712, plus strand): 5'-AGCACCAGCTCACATTGGTGCCCGTGGCCAGCTGCCCCCAAAAGGGCACAGAGGACCCGG[C>A]CGCCACGAAGCTGCCTCCGGGCTCGCTGGCCCTGATGCTGAGGCCACTCACAGGCACCTG-3'
Protein context (NP_001009944.3, residues 1809-1829): ASEPGGSFVA[Ala1819Ser]GSSVPFWGQL

ClinVar aggregate classification (germline): Benign/Likely benign. Review status: criteria provided, multiple submitters, no conflicts (2 of 4 stars). 4 submissions from 4 submitters: Benign (1); Likely benign (1). 2 of the submissions do not count toward it. Last evaluated 2024-07-05.

Conditions:
PKD1-related disorder. Also called: PKD1-related condition.
Polycystic kidney disease, adult type (PKD1). Also called: Polycystic Kidney Disease 1, Autosomal Dominant; Polycystic kidney disease 1; Polycystic kidney disease 1, severe; POLYCYSTIC KIDNEY DISEASE, ADULT, TYPE I; POLYCYSTIC KIDNEY DISEASE 1 WITH OR WITHOUT POLYCYSTIC LIVER DISEASE; Polycystic Kidney, Autosomal Dominant. Identifiers: MedGen C3149841, MONDO:0008263, OMIM 173900.

Allele frequency attached by ClinVar (database versions not stated): gnomAD exomes 0.00022; ExAC 0.00062; ESP Exome Variant Server 0.00078; gnomAD 0.00146 and 0.00150; TOPMed 0.00146; 1000 Genomes Project 0.00240; 1000 Genomes Project 30x 0.00281.
gnomAD v4.1: 382 of 1,601,356 alleles (0.024%); highest among the groups gnomAD compares: African/African-American, 0.47%; 1 homozygote.

Submissions (4):

Athena Diagnostics
Classification: Benign. Last evaluated: 2024-07-05. Review status: criteria provided, single submitter. Criteria: Athena Diagnostics Criteria. Collection method: clinical testing. Allele origin: unknown.

Department of Pathology and Laboratory Medicine, Sinai Health System
Classification: Likely benign for Polycystic kidney disease, adult type. Last evaluated: 2022-08-05. Review status: criteria provided, single submitter. Criteria: ACMG Guidelines, 2015. Collection method: clinical testing. Allele origin: germline. Affected: yes.

Genetic Services Laboratory, University of Chicago
Classification: Benign. Last evaluated: 2022-08-29. Review status: no assertion criteria provided. Collection method: clinical testing. Allele origin: germline. Affected: no. Not counted in ClinVar's aggregate classification.

PreventionGenetics, part of Exact Sciences
Classification: Benign for PKD1-related condition. Last evaluated: 2020-07-06. Review status: no assertion criteria provided. Collection method: clinical testing. Allele origin: germline. Not counted in ClinVar's aggregate classification.
Comment: This variant is classified as benign based on ACMG/AMP sequence variant interpretation guidelines (Richards et al. 2015 PMID: 25741868, with internal and published modifications).